The following is an entry in ClinVar:

ClinVar aggregate classification (germline): Uncertain significance (1 of 4 stars; one submission).

Submission:

Labcorp Genetics (formerly Invitae), Labcorp
Classification: Uncertain significance. Last evaluated: 2024-09-15. Review status: criteria provided, single submitter. Criteria: Invitae Variant Classification Sherloc (09022015). Collection method: clinical testing. Allele origin: germline.
Comment: This sequence change replaces arginine, which is basic and polar, with glycine, which is neutral and non-polar, at codon 1009 of the FLNB protein (p.Arg1009Gly). This variant is not present in population databases (gnomAD no frequency). This variant has not been reported in the literature in individuals affected with FLNB-related conditions. Invitae Evidence Modeling of protein sequence and biophysical properties (such as structural, functional, and spatial information, amino acid conservation, physicochemical variation, residue mobility, and thermodynamic stability) indicates that this missense variant is not expected to disrupt FLNB protein function with a negative predictive value of 95%. In summary, the available evidence is currently insufficient to determine the role of this variant in disease. Therefore, it has been classified as a Variant of Uncertain Significance.

NM_001457.4(FLNB):c.3025C>G (p.Arg1009Gly)

Gene: FLNB (filamin B; plus strand). Cytogenetic location: 3p14.3.
Variant type: single nucleotide variant.
Coding change: c.3025C>G on transcript NM_001457.4 (MANE Select); coding-DNA position 3025, C replaced by G.
Protein change: p.Arg1009Gly; replaces arginine 1009 with glycine.
Molecular consequence: missense variant.
Genome position (GRCh38, 1-based): chr3:58,121,402, C>G. VCF-style: chr3-58121402-C-G. GRCh37 (hg19) VCF-style: chr3-58107129-C-G.
Other names: c.3025C>G, p.Arg1009Gly (NM_001164318.2, NM_001164319.2, NM_001164317.2); short protein forms R1009G.
Identifiers: ClinVar variation 3635717 (VCV003635717.2).